The following is an entry in ClinVar:

NM_000037.4(ANK1):c.4840G>T (p.Glu1614Ter)

Gene: ANK1 (ankyrin 1; minus strand). Cytogenetic location: 8p11.21.
Variant type: single nucleotide variant.
Coding change: c.4840G>T on transcript NM_000037.4 (MANE Select); coding-DNA position 4840, G replaced by T.
Protein change: p.Glu1614Ter; replaces glutamic acid 1614 with a stop codon.
Molecular consequence: nonsense. On other transcripts: intron variant (1).
Genome position (GRCh38, 1-based): chr8:41,672,610, C>A on the plus strand (G>T on the coding strand, the complement: ANK1 is on the minus strand). VCF-style: chr8-41672610-C-A. GRCh37 (hg19) VCF-style: chr8-41530128-C-A.
Other names: c.4963G>T, p.Glu1655Ter (NM_001142446.2); c.4840G>T, p.Glu1614Ter (NM_020475.3, NM_020476.3); c.4538-184G>T (NM_020477.3); short protein forms E1614*, E1655*.
Identifiers: ClinVar variation 2853435 (VCV002853435.3), dbSNP rs1179459853, ClinGen allele CA371054017.

ClinVar aggregate classification (germline): Pathogenic (1 of 4 stars; one submission).

Submission:

Labcorp Genetics (formerly Invitae), Labcorp
Classification: Pathogenic. Last evaluated: 2023-04-07. Review status: criteria provided, single submitter. Criteria: Invitae Variant Classification Sherloc (09022015). Collection method: clinical testing. Allele origin: germline.
Comment: For these reasons, this variant has been classified as Pathogenic. This variant has not been reported in the literature in individuals affected with ANK1-related conditions. This variant is not present in population databases (gnomAD no frequency). This sequence change creates a premature translational stop signal (p.Glu1614*) in the ANK1 gene. It is expected to result in an absent or disrupted protein product. Loss-of-function variants in ANK1 are known to be pathogenic (PMID: 8640229).

Literature cited by the submitters: PubMed 8640229.